The following is an entry in ClinVar:

NM_012401.4(PLXNB2):c.750C>A (p.Cys250Ter)

Gene: PLXNB2 (plexin B2; minus strand). Cytogenetic location: 22q13.33.
Variant type: single nucleotide variant.
Coding change: c.750C>A on transcript NM_012401.4 (MANE Select); coding-DNA position 750, C replaced by A.
Protein change: p.Cys250Ter; replaces cysteine 250 with a stop codon.
Molecular consequence: nonsense.
Genome position (GRCh38, 1-based): chr22:50,289,835, G>T on the plus strand (C>A on the coding strand, the complement: PLXNB2 is on the minus strand). VCF-style: chr22-50289835-G-T. GRCh37 (hg19) VCF-style: chr22-50728264-G-T.
Other names: c.750C>A, p.Cys250Ter (NM_001376864.1, NM_001376865.1, NM_001376866.1 and 20 more transcripts); short protein forms C250*.
Identifiers: ClinVar variation 1895423 (VCV001895423.1), dbSNP rs2519766355, ClinGen allele CA412123484.
Genomic context (GRCh38, chr22:50,289,835, plus strand): 5'-GTCGGGGTCCCGGCACTGCAGGTCCATCTCCAGGTAGGAGTAGTAGTTGGGGTCTTCTCT[G>T]CACATGCGTGCCAGCAGCGTGCGGTTCCGGGCCGGGTGCTTGTCCTGCTGGTTGAAGACA-3'

ClinVar aggregate classification (germline): Pathogenic (0 of 4 stars; one submission).

Submission:

Leeds Amelogenesis Imperfecta Research Group, University of Leeds
Classification: Pathogenic. Last evaluated: 2023-01-04. Review status: no assertion criteria provided. Collection method: research. Allele origin: unknown. Inheritance: Autosomal recessive inheritance. Affected: yes. Observed: 2 compound heterozygotes. Clinical features observed: Amelogenesis imperfecta (HP:0000705), Sensorineural hearing loss disorder (HP:0000407), Abnormal macular morphology (HP:0001103), High myopia (HP:0011003), Nystagmus (HP:0000639), Microcornea (HP:0000482), Hypertelorism (HP:0000316), Intellectual disability, mild (HP:0001256). Segregation with disease not observed.
Comment: Variant was not identified in gnomAD.